The following is an entry in ClinVar:

ClinVar aggregate classification (germline): Conflicting classifications of pathogenicity. Review status: criteria provided, conflicting classifications (1 of 4 stars). 3 submissions from 3 submitters: Uncertain significance (1); Likely benign (2). Last evaluated 2024-05-06.

Conditions:
ALG1-congenital disorder of glycosylation. Also called: CONGENITAL DISORDER OF GLYCOSYLATION, TYPE Ik; CDG Ik; ALG1-CDG. Identifiers: Orphanet 79327, MedGen C2931005, MONDO:0012052, OMIM 608540.

Allele frequency attached by ClinVar (database versions not stated): gnomAD exomes below 0.00001.
gnomAD v4.1: 3 of 1,611,662 alleles (0.00019%); highest among the groups gnomAD compares: Middle Eastern, 0.022%; no homozygotes.

Submissions (3):

Labcorp Genetics (formerly Invitae), Labcorp
Classification: Likely benign for ALG1-congenital disorder of glycosylation. Last evaluated: 2024-05-06. Review status: criteria provided, single submitter. Criteria: Invitae Variant Classification Sherloc (09022015). Collection method: clinical testing. Allele origin: germline.

Blueprint Genetics
Classification: Likely benign. Last evaluated: 2024-01-10. Review status: criteria provided, single submitter. Criteria: ACMG Guidelines, 2015. Collection method: clinical testing. Allele origin: germline.

GeneDx
Classification: Uncertain significance. Last evaluated: 2022-10-06. Review status: criteria provided, single submitter. Criteria: GeneDx Variant Classification Process June 2021. Collection method: clinical testing. Allele origin: germline. Affected: yes.
Comment: Not observed at significant frequency in large population cohorts (gnomAD); Has not been previously published as pathogenic or benign to our knowledge; In silico analysis suggests this variant may impact gene splicing. In the absence of RNA/functional studies, the actual effect of this sequence change is unknown.

NM_019109.5(ALG1):c.843C>T (p.Val281=)

Gene: ALG1 (ALG1 chitobiosyldiphosphodolichol beta-mannosyltransferase; plus strand). Cytogenetic location: 16p13.3.
Variant type: single nucleotide variant.
Coding change: c.843C>T on transcript NM_019109.5 (MANE Select); coding-DNA position 843, C replaced by T.
Protein change: p.Val281=; no amino-acid change (valine 281 retained).
Molecular consequence: synonymous variant.
Genome position (GRCh38, 1-based): chr16:5,078,859, C>T. VCF-style: chr16-5078859-C-T. GRCh37 (hg19) VCF-style: chr16-5128860-C-T.
Other names: c.510C>T, p.Val170= (NM_001330504.2).
Identifiers: ClinVar variation 2498058 (VCV002498058.4), dbSNP rs2505862819, ClinGen allele CA493335334.